The following is an entry in ClinVar:

NM_012120.3(CD2AP):c.1681A>G (p.Thr561Ala)

Gene: CD2AP (CD2 associated protein; plus strand). Cytogenetic location: 6p12.3.
Variant type: single nucleotide variant.
Coding change: c.1681A>G on transcript NM_012120.3 (MANE Select); coding-DNA position 1681, A replaced by G.
Protein change: p.Thr561Ala; replaces threonine 561 with alanine.
Molecular consequence: missense variant.
Genome position (GRCh38, 1-based): chr6:47,609,171, A>G. VCF-style: chr6-47609171-A-G. GRCh37 (hg19) VCF-style: chr6-47576907-A-G.
Other names: short protein forms T561A.
Identifiers: ClinVar variation 2067577 (VCV002067577.4), dbSNP rs760472374, ClinGen allele CA3844434.

ClinVar aggregate classification (germline): Uncertain significance (1 of 4 stars; one submission).

Allele frequency attached by ClinVar (database versions not stated): ExAC 0.00001; gnomAD 0.00001; gnomAD exomes 0.00001.
gnomAD v4.1: 21 of 1,613,236 alleles (0.0013%); highest among the groups gnomAD compares: African/African-American, 0.0027%; no homozygotes.

Submission:

Labcorp Genetics (formerly Invitae), Labcorp
Classification: Uncertain significance. Last evaluated: 2022-09-02. Review status: criteria provided, single submitter. Criteria: Invitae Variant Classification Sherloc (09022015). Collection method: clinical testing. Allele origin: germline.
Comment: In summary, the available evidence is currently insufficient to determine the role of this variant in disease. Therefore, it has been classified as a Variant of Uncertain Significance. Algorithms developed to predict the effect of missense changes on protein structure and function output the following: SIFT: "Tolerated"; PolyPhen-2: "Benign"; Align-GVGD: "Class C0". The alanine amino acid residue is found in multiple mammalian species, which suggests that this missense change does not adversely affect protein function. This variant has not been reported in the literature in individuals affected with CD2AP-related conditions. This variant is present in population databases (rs760472374, gnomAD 0.003%). This sequence change replaces threonine, which is neutral and polar, with alanine, which is neutral and non-polar, at codon 561 of the CD2AP protein (p.Thr561Ala).